The following is an entry in ClinVar:

NM_144672.4(OTOA):c.436C>T (p.Arg146Ter)

Gene: OTOA (otoancorin). Cytogenetic location: 16p12.2.
Variant type: single nucleotide variant.
Coding change: c.436C>T on transcript NM_144672.4 (MANE Select); coding-DNA position 436, C replaced by T.
Protein change: p.Arg146Ter; replaces arginine 146 with a stop codon.
Molecular consequence: nonsense.
Genome position (GRCh38, 1-based): chr16:21,687,449, C>T. VCF-style: chr16-21687449-C-T. GRCh37 (hg19) VCF-style: chr16-21698770-C-T.
Other names: c.199C>T, p.Arg67Ter (NM_001161683.2); short protein forms R67*, R146*.
Identifiers: ClinVar variation 2978505 (VCV002978505.4), dbSNP rs561680253, ClinGen allele CA7952306.
Genomic context (GRCh38, chr16:21,687,449, plus strand): 5'-CCCTGGCTTCTGTCATTGCTTTAGGACCTGAAAGACATCATCATCGACTTAGGAGAGATT[C>T]GAGAACGAGCCTTGCAGAGCCCTGGCGTGAACCGCAGCCTGTTTCTCATCACACTGGAGA-3'

ClinVar aggregate classification (germline): Pathogenic/Likely pathogenic. Review status: criteria provided, multiple submitters, no conflicts (2 of 4 stars). 2 submissions from 2 submitters: Pathogenic (1); Likely pathogenic (1). Last evaluated 2025-12-01.

Conditions:
OTOA-related disorder. Also called: OTOA-related condition.

gnomAD v4.1: 15 of 1,613,870 alleles (0.00093%); highest among the groups gnomAD compares: South Asian, 0.0022%; no homozygotes.

Submissions (2):

Labcorp Genetics (formerly Invitae), Labcorp
Classification: Pathogenic. Last evaluated: 2025-12-01. Review status: criteria provided, single submitter. Criteria: Invitae Variant Classification Sherloc (09022015). Collection method: clinical testing. Allele origin: germline.
Comment: This sequence change creates a premature translational stop signal (p.Arg146*) in the OTOA gene. It is expected to result in an absent or disrupted protein product. Loss-of-function variants in OTOA are known to be pathogenic (PMID: 11972037). This variant is present in population databases (rs561680253, gnomAD 0.003%). This variant has not been reported in the literature in individuals affected with OTOA-related conditions. ClinVar contains an entry for this variant (Variation ID: 2978505). For these reasons, this variant has been classified as Pathogenic.

Blueprint Genetics
Classification: Likely pathogenic for OTOA-related disorders. Last evaluated: 2024-01-23. Review status: criteria provided, single submitter. Criteria: ACMG Guidelines, 2015. Collection method: clinical testing. Allele origin: germline. Affected: yes. Observed: 1 variant allele.

Literature cited by the submitters: PubMed 11972037 (cited by Labcorp Genetics (formerly Invitae), Labcorp).